The following is an entry in ClinVar:

ClinVar aggregate classification (germline): Likely pathogenic (1 of 4 stars; one submission).

Conditions:
Dilated cardiomyopathy 1G (CMD1G). Identifiers: Orphanet 154, MedGen C1858763, MONDO:0011400, OMIM 604145.
Autosomal recessive limb-girdle muscular dystrophy type 2J (LGMDR10). Also called: Limb-girdle muscular dystrophy, type 2J; MUSCULAR DYSTROPHY, LIMB-GIRDLE, AUTOSOMAL RECESSIVE 10. Identifiers: Orphanet 140922, MedGen C1837342, MONDO:0012127, OMIM 608807.

Submission:

Labcorp Genetics (formerly Invitae), Labcorp
Classification: Likely pathogenic for Dilated cardiomyopathy 1G; Autosomal recessive limb-girdle muscular dystrophy type 2J. Last evaluated: 2023-12-06. Review status: criteria provided, single submitter. Criteria: Invitae Variant Classification Sherloc (09022015). Collection method: clinical testing. Allele origin: germline.
Comment: This sequence change creates a premature translational stop signal (p.Leu34487Phefs*4) in the TTN gene. While this is not anticipated to result in nonsense mediated decay, it is expected to create a truncated TTN protein. This variant is not present in population databases (gnomAD no frequency). This variant has not been reported in the literature in individuals affected with TTN-related conditions. ClinVar contains an entry for this variant (Variation ID: 952418). This variant is located in the M band of TTN (PMID: 25589632). Truncating variants in this region have been previously reported in individuals affected with autosomal recessive myopathy and muscular dystrophy (PMID: 18948003, 23975875, 24395473). Truncating variants in this region have also been identified in individuals affected with autosomal dominant dilated cardiomyopathy and/or cardio-related conditions (PMID: 27869827, 32964742). In summary, the currently available evidence indicates that the variant is pathogenic, but additional data are needed to prove that conclusively. Therefore, this variant has been classified as Likely Pathogenic.

Literature cited by the submitters: PubMed 25589632; PubMed 18948003; PubMed 23975875; PubMed 24395473; PubMed 27869827; PubMed 32964742.

NM_001267550.2(TTN):c.103459_103460del (p.Leu34487fs)

Genes: TTN (titin; minus strand), TTN-AS1 (TTN antisense RNA 1; plus strand). Cytogenetic location: 2q31.2.
Variant type: Deletion.
Coding change: c.103459_103460del on transcript NM_001267550.2 (MANE Select); coding-DNA positions 103459 to 103460, 2 bases deleted (CT; older notation c.103459_103460delCT).
Protein change: p.Leu34487fs; shifts the reading frame from leucine 34487.
Molecular consequence: frameshift variant.
Genome position (GRCh38, 1-based): chr2:178,533,155-178,533,156, AG deleted on the plus strand (CT on the coding strand, the reverse complement: TTN is on the minus strand); deleting any 2 consecutive bases within chr2:178,533,155-178,533,157 gives the same sequence; the c. name uses the placement nearest the transcript's 3' end. VCF-style (leftmost placement, unchanged base first): chr2-178533154-AAG-A. GRCh37 (hg19) VCF-style: chr2-179397881-AAG-A.
Other names: c.98536_98537del, p.Leu32846fs (NM_001256850.1); c.76264_76265del, p.Leu25422fs (NM_003319.4); c.95755_95756del, p.Leu31919fs (NM_133378.4); c.76639_76640del, p.Leu25547fs (NM_133432.3); c.76840_76841del, p.Leu25614fs (NM_133437.4); short protein forms L25422fs, L25547fs, L25614fs, L31919fs, L32846fs, L34487fs.
Identifiers: ClinVar variation 952418 (VCV000952418.8), dbSNP rs1689940049, ClinGen allele CA1139657387.